The following is an entry in ClinVar:

ClinVar aggregate classification (germline): Uncertain significance (1 of 4 stars; one submission).

Conditions:
Cardiovascular phenotype. Identifiers: MedGen CN230736.

Submission:

Ambry Genetics
Classification: Uncertain significance for Cardiovascular phenotype. Last evaluated: 2024-10-22. Review status: criteria provided, single submitter. Criteria: Ambry Variant Classification Scheme 2023. Collection method: clinical testing. Allele origin: germline.
Comment: The p.S185A variant (also known as c.553T>G), located in coding exon 2 of the JPH2 gene, results from a T to G substitution at nucleotide position 553. The serine at codon 185 is replaced by alanine, an amino acid with similar properties. This amino acid position is conserved. In addition, this alteration is predicted to be tolerated by in silico analysis. Based on the available evidence, the clinical significance of this variant remains unclear.

NM_020433.5(JPH2):c.553T>G (p.Ser185Ala)

Gene: JPH2 (junctophilin 2; minus strand). Cytogenetic location: 20q13.12.
Variant type: single nucleotide variant.
Coding change: c.553T>G on transcript NM_020433.5 (MANE Select); coding-DNA position 553, T replaced by G.
Protein change: p.Ser185Ala; replaces serine 185 with alanine.
Molecular consequence: missense variant.
Genome position (GRCh38, 1-based): chr20:44,160,234, A>C on the plus strand (T>G on the coding strand, the complement: JPH2 is on the minus strand). VCF-style: chr20-44160234-A-C. GRCh37 (hg19) VCF-style: chr20-42788874-A-C.
Other names: short protein forms S185A.
Identifiers: ClinVar variation 3531495 (VCV003531495.1).